The following is an entry in ClinVar:

ClinVar aggregate classification (germline): Uncertain significance (1 of 4 stars; one submission).

Conditions:
Diamond-Blackfan anemia. Also called: Blackfan Diamond syndrome; Aregenerative anemia chronic congenital; Red cell aplasia, pure hereditary; Congenital hypoplastic anemia; Aase syndrome. Identifiers: Orphanet 124, MedGen C1260899, MeSH D029503, MONDO:0015253, HP:0004810.

Submission:

St. Jude Molecular Pathology, St. Jude Children's Research Hospital
Classification: Uncertain significance for Diamond-Blackfan anemia. Last evaluated: 2025-02-05. Review status: criteria provided, single submitter. Criteria: St. Jude Assertion Criteria 2020. Collection method: clinical testing. Allele origin: germline.
Comment: The RPS20 c.3+11_3+13delinsGGG intronic change results from replacing three nucleotides with three other nucleotides in intron 1 of the RPS20 gene. Algorithms that predict the impact of sequence changes on splicing indicate that this variant does not affect splicing, but to our knowledge these predictions have not been confirmed by RNA studies. This variant is absent in gnomAD v2.1.1. This variant has not been reported in individuals with RPS20-associated disease. In summary, the evidence currently available is insufficient to determine the clinical significance of this variant. It has therefore been classified as of uncertain significance.

NM_001023.4(RPS20):c.3+11_3+13delinsGGG

Gene: RPS20 (ribosomal protein S20; minus strand). Cytogenetic location: 8q12.1.
Variant type: Indel.
Coding change: c.3+11_3+13delinsGGG on transcript NM_001023.4 (MANE Select); bases 11 to 13 of the intron after coding-DNA position 3, AGT replaced by GGG.
Molecular consequence: intron variant.
Genome position (GRCh38, 1-based): chr8:56,074,368-56,074,370, ACT replaced by CCC on the plus strand (AGT replaced by GGG on the coding strand, the reverse complement: RPS20 is on the minus strand). VCF-style: chr8-56074368-ACT-CCC. GRCh37 (hg19) VCF-style: chr8-56986927-ACT-CCC.
Other names: c.3+11_3+13delinsGGG (NM_001146227.3).
Identifiers: ClinVar variation 3602697 (VCV003602697.1).